The following is an entry in ClinVar:

NM_001377.3(DYNC2H1):c.12703A>T (p.Asn4235Tyr)

Gene: DYNC2H1 (dynein cytoplasmic 2 heavy chain 1; plus strand). Cytogenetic location: 11q22.3.
Variant type: single nucleotide variant.
Coding change: c.12703A>T on transcript NM_001377.3 (MANE Select); coding-DNA position 12703, A replaced by T.
Protein change: p.Asn4235Tyr; replaces asparagine 4235 with tyrosine.
Molecular consequence: missense variant.
Genome position (GRCh38, 1-based): chr11:103,468,643, A>T. VCF-style: chr11-103468643-A-T. GRCh37 (hg19) VCF-style: chr11-103339371-A-T.
Other names: c.12724A>T, p.Asn4242Tyr (NM_001080463.2); short protein forms N4242Y, N4235Y.
Identifiers: ClinVar variation 302126 (VCV000302126.8), dbSNP rs886047580, ClinGen allele CA10629743.

ClinVar aggregate classification (germline): Uncertain significance. Review status: criteria provided, multiple submitters, no conflicts (2 of 4 stars). 2 submissions from 2 submitters: Uncertain significance (2). Last evaluated 2022-07-19.

Conditions:
Asphyxiating thoracic dystrophy 3. Also called: SHORT-RIB THORACIC DYSPLASIA 3 WITH OR WITHOUT POLYDACTYLY; POLYDACTYLY WITH NEONATAL CHONDRODYSTROPHY, TYPE I; SHORT-RIB THORACIC DYSPLASIA 3/6 WITH POLYDACTYLY, DIGENIC; Short rib polydactyly syndrome 2B; Saldino-Noonan Syndrome. Identifiers: Orphanet 474, Orphanet 93269, Orphanet 93270, Orphanet 93271, MedGen C0036069, MONDO:0013127, OMIM 613091.
Jeune thoracic dystrophy. Also called: Short-rib thoracic dysplasia; Jeune syndrome; Infantile thoracic dystrophy; Thoracic pelvic phalangeal dystrophy; Jeune's syndrome; Chondroectodermal dysplasia-like syndrome. Identifiers: Orphanet 474, MedGen C0265275, MONDO:0018770.

Allele frequency attached by ClinVar (database versions not stated): gnomAD exomes 0.00001; gnomAD 0.00002; TOPMed 0.00002.
gnomAD v4.1: 18 of 1,613,692 alleles (0.0011%); highest among the groups gnomAD compares: Non-Finnish European, 0.0015%; no homozygotes.

Submissions (2):

Labcorp Genetics (formerly Invitae), Labcorp
Classification: Uncertain significance for Jeune thoracic dystrophy. Last evaluated: 2022-07-19. Review status: criteria provided, single submitter. Criteria: Invitae Variant Classification Sherloc (09022015). Collection method: clinical testing. Allele origin: germline.
Comment: This sequence change replaces asparagine, which is neutral and polar, with tyrosine, which is neutral and polar, at codon 4242 of the DYNC2H1 protein (p.Asn4242Tyr). This variant is present in population databases (no rsID available, gnomAD 0.003%). This variant has not been reported in the literature in individuals affected with DYNC2H1-related conditions. ClinVar contains an entry for this variant (Variation ID: 302126). Advanced modeling of protein sequence and biophysical properties (such as structural, functional, and spatial information, amino acid conservation, physicochemical variation, residue mobility, and thermodynamic stability) performed at Invitae indicates that this missense variant is not expected to disrupt DYNC2H1 protein function. In summary, the available evidence is currently insufficient to determine the role of this variant in disease. Therefore, it has been classified as a Variant of Uncertain Significance.

Illumina Laboratory Services, Illumina
Classification: Uncertain significance for Asphyxiating thoracic dystrophy 3. Last evaluated: 2018-01-13. Review status: criteria provided, single submitter. Criteria: ICSL Variant Classification Criteria 13 December 2019. Collection method: clinical testing. Allele origin: germline.